The following is an entry in ClinVar:

ClinVar aggregate classification (germline): Pathogenic (1 of 4 stars; one submission).

Conditions:
Usher syndrome type 1 (USH1). Also called: RETINITIS PIGMENTOSA AND CONGENITAL DEAFNESS. Identifiers: Orphanet 231169, Orphanet 886, MedGen C1568247, MONDO:0010168, OMIM 276900.

Submission:

Myriad Genetics, Inc.
Classification: Pathogenic for Usher syndrome type 1. Last evaluated: 2025-11-14. Review status: criteria provided, single submitter. Criteria: Myriad Autosomal Dominant, Autosomal Recessive and X-Linked Classification Criteria (2023). Collection method: clinical testing. Allele origin: unknown.
Comment: NM_000260.3(MYO7A):c.6_9dupGATT(L4Dfs*39) is a frameshift variant classified as pathogenic in the context of MYO7A-related disorders. L4Dfs*39 has been observed in cases with relevant disease (PMID: 21436283, 31320737, 30337596, 33576163, 16470552). Relevant functional assessments of this variant are available in the literature (PMID: 23451239). L4Dfs*39 has not been observed in referenced population frequency databases. In summary, NM_000260.3(MYO7A):c.6_9dupGATT(L4Dfs*39) is a frameshift variant in a gene where loss of function is a known mechanism of disease, is predicted to disrupt protein function, and has been observed more frequently in cases with the relevant disease than in healthy populations. Please note: this variant was assessed in the context of healthy population screening.

Literature cited by the submitters: PubMed 16470552; PubMed 21436283; PubMed 23451239; PubMed 30337596; PubMed 31320737; PubMed 33576163.

NM_000260.4(MYO7A):c.6_9dup (p.Leu4fs)

Gene: MYO7A (myosin VIIA; plus strand). Cytogenetic location: 11q13.5.
Variant type: Duplication.
Coding change: c.6_9dup on transcript NM_000260.4 (MANE Select); coding-DNA positions 6 to 9, 4 bases duplicated (GATT; older notation c.6_9dupGATT).
Protein change: p.Leu4fs; shifts the reading frame from leucine 4.
Molecular consequence: frameshift variant. On other transcripts: 5 prime UTR variant (1).
Genome position (GRCh38, 1-based): chr11:77,130,640-77,130,643, GATT duplicated; duplicating any 4 consecutive bases within chr11:77,130,639-77,130,643 gives the same sequence; the c. name uses the placement nearest the transcript's 3' end. VCF-style (leftmost placement, unchanged base first): chr11-77130638-G-GTGAT. GRCh37 (hg19) VCF-style: chr11-76841684-G-GTGAT.
Other names: c.6_9dup, p.Leu4fs (NM_001127180.2); c.-108_-105dup (NM_001369365.1); short protein forms L4fs.
Identifiers: ClinVar variation 5003271 (VCV005003271.1).